The following is an entry in ClinVar:

ClinVar aggregate classification (germline): Pathogenic (1 of 4 stars; one submission).

Submission:

Labcorp Genetics (formerly Invitae), Labcorp
Classification: Pathogenic. Last evaluated: 2024-01-08. Review status: criteria provided, single submitter. Criteria: Invitae Variant Classification Sherloc (09022015). Collection method: clinical testing. Allele origin: germline.
Comment: This sequence change creates a premature translational stop signal (p.His1551Thrfs*10) in the POLE gene. It is expected to result in an absent or disrupted protein product. Loss-of-function variants in POLE are known to be pathogenic (PMID: 23230001, 25948378, 30503519). This variant is not present in population databases (gnomAD no frequency). This variant has not been reported in the literature in individuals affected with POLE-related conditions. For these reasons, this variant has been classified as Pathogenic.

Literature cited by the submitters: PubMed 23230001; PubMed 25948378; PubMed 30503519.

NM_006231.4(POLE):c.4650dup (p.His1551fs)

Gene: POLE (DNA polymerase epsilon, catalytic subunit; minus strand). Cytogenetic location: 12q24.33.
Variant type: Duplication.
Coding change: c.4650dup on transcript NM_006231.4 (MANE Select); coding-DNA position 4650, one base duplicated (A; older notation c.4650dupA).
Protein change: p.His1551fs; shifts the reading frame from histidine 1551.
Molecular consequence: frameshift variant.
Genome position (GRCh38, 1-based): chr12:132,642,898, T duplicated on the plus strand (A on the coding strand, the reverse complement: POLE is on the minus strand); the first of 3 consecutive T bases (chr12:132,642,898-132,642,900); duplicating any one gives the same sequence. VCF-style (leftmost placement, unchanged base first): chr12-132642897-G-GT. GRCh37 (hg19) VCF-style: chr12-133219483-G-GT.
Other names: short protein forms H1551fs.
Identifiers: ClinVar variation 2998386 (VCV002998386.3), dbSNP rs2541887540, ClinGen allele CA2622048497.